The following is an entry in ClinVar:

ClinVar aggregate classification (germline): Uncertain significance. Review status: criteria provided, multiple submitters, no conflicts (2 of 4 stars). 3 submissions from 3 submitters: Uncertain significance (3). Last evaluated 2025-11-19.

Conditions:
Myopathy, proximal, and ophthalmoplegia (CMYO6). Also called: INCLUSION BODY MYOPATHY 3, AUTOSOMAL DOMINANT; MYOPATHY WITH CONGENITAL JOINT CONTRACTURES, OPHTHALMOPLEGIA, AND RIMMED VACUOLES; CONGENITAL MYOPATHY 6 WITH OPHTHALMOPLEGIA. Identifiers: Orphanet 363677, Orphanet 79091, MedGen C1854106, MONDO:0011577, OMIM 605637.

Allele frequency attached by ClinVar (database versions not stated): TOPMed 0.00057; ExAC 0.00009; gnomAD 0.00044 and 0.00052; ESP Exome Variant Server 0.00062; gnomAD exomes 0.00004 and 0.00009.
gnomAD v4.1: 129 of 1,614,066 alleles (0.008%); highest among the groups gnomAD compares: African/African-American, 0.14%; no homozygotes.

Submissions (3):

Women's Health and Genetics/Laboratory Corporation of America, LabCorp
Classification: Uncertain significance. Last evaluated: 2025-11-19. Review status: criteria provided, single submitter. Criteria: LabCorp Variant Classification Summary - May 2015. Collection method: clinical testing. Allele origin: germline.
Comment: Variant summary: MYH2 c.5472+3G>T alters a conserved nucleotide located close to a canonical splice site and therefore could affect mRNA splicing, leading to a significantly altered protein sequence. Computational tools predict a significant impact on normal splicing: Two predict the variant weakens a canonical 5' donor site. One predicts the variant has no significant impact on splicing. However, these predictions have yet to be confirmed by functional studies. The variant allele was found at a frequency of 9.1e-05 in 251424 control chromosomes (gnomAD). This frequency is not significantly higher than estimated for disease-causing variants in MYH2, allowing no conclusion about variant significance. To our knowledge, no occurrence of c.5472+3G>T in individuals affected with MYH2-related conditions and no experimental evidence demonstrating its impact on protein function have been reported. ClinVar contains an entry for this variant (Variation ID: 654743). Based on the evidence outlined above, the variant was classified as uncertain significance.

Labcorp Genetics (formerly Invitae), Labcorp
Classification: Uncertain significance for Myopathy, proximal, and ophthalmoplegia. Last evaluated: 2025-06-13. Review status: criteria provided, single submitter. Criteria: Invitae Variant Classification Sherloc (09022015). Collection method: clinical testing. Allele origin: germline.
Comment: This sequence change falls in intron 37 of the MYH2 gene. It does not directly change the encoded amino acid sequence of the MYH2 protein. It affects a nucleotide within the consensus splice site. This variant is present in population databases (rs200691436, gnomAD 0.1%). This variant has not been reported in the literature in individuals affected with MYH2-related conditions. ClinVar contains an entry for this variant (Variation ID: 654743). Variants that disrupt the consensus splice site are a relatively common cause of aberrant splicing (PMID: 17576681, 9536098). Algorithms developed to predict the effect of sequence changes on RNA splicing suggest that this variant may disrupt the consensus splice site. In summary, the available evidence is currently insufficient to determine the role of this variant in disease. Therefore, it has been classified as a Variant of Uncertain Significance.

Revvity Omics, Revvity
Classification: Uncertain significance for Myopathy, proximal, and ophthalmoplegia. Last evaluated: 2019-06-18. Review status: criteria provided, single submitter. Criteria: ACMG Guidelines, 2015. Collection method: clinical testing. Allele origin: germline.

Literature cited by the submitters: PubMed 17576681 (cited by Labcorp Genetics (formerly Invitae), Labcorp); PubMed 9536098 (cited by Labcorp Genetics (formerly Invitae), Labcorp).

NM_017534.6(MYH2):c.5472+3G>T

Genes: MYH2 (myosin heavy chain 2; minus strand), MYHAS (myosin heavy chain gene cluster antisense RNA; plus strand). Cytogenetic location: 17p13.1.
Variant type: single nucleotide variant.
Coding change: c.5472+3G>T on transcript NM_017534.6 (MANE Select); 3 bases into the intron after coding-DNA position 5472, G replaced by T.
Molecular consequence: intron variant.
Genome position (GRCh38, 1-based): chr17:10,523,493, C>A on the plus strand (G>T on the coding strand, the complement: MYH2 is on the minus strand). VCF-style: chr17-10523493-C-A. GRCh37 (hg19) VCF-style: chr17-10426810-C-A.
Other names: c.5472+3G>T (NM_001100112.2).
Identifiers: ClinVar variation 654743 (VCV000654743.11), dbSNP rs200691436, ClinGen allele CA8390396.